The following is an entry in ClinVar:

NM_007294.4(BRCA1):c.2477_2478insT (p.Glu827fs)

Gene: BRCA1 (BRCA1 DNA repair associated; minus strand). Cytogenetic location: 17q21.31.
Variant type: Insertion.
Coding change: c.2477_2478insT on transcript NM_007294.4 (MANE Select); coding-DNA positions 2477 to 2478, T inserted.
Protein change: p.Glu827fs; shifts the reading frame from glutamic acid 827.
Molecular consequence: frameshift variant. On other transcripts: intron variant (137).
Genome position: GRCh38 VCF-style: chr17-43093053-T-TA. GRCh37 (hg19) VCF-style: chr17-41245070-T-TA.
Other names: c.2267_2268insT, p.Glu757fs (NM_001407889.1, NM_001407900.1, NM_001407902.1 and 13 more transcripts); c.2264_2265insT, p.Glu756fs (NM_001407894.1, NM_001407895.1, NM_001407896.1 and 9 more transcripts); c.2354_2355insT, p.Glu786fs (NM_001407919.1, NM_001407937.1, NM_001407938.1 and 19 more transcripts); c.2213_2214insT, p.Glu739fs (NM_001407920.1, NM_001407921.1, NM_001407922.1 and 9 more transcripts); c.2210_2211insT, p.Glu738fs (NM_001407930.1, NM_001407931.1, NM_001407932.1 and 2 more transcripts); c.2351_2352insT, p.Glu785fs (NM_001407940.1, NM_001407941.1, NM_001407649.1 and 11 more transcripts); c.2336_2337insT, p.Glu780fs (NM_001407942.1, NM_001407944.1, NM_001407945.1 and 29 more transcripts); c.2333_2334insT, p.Glu779fs (NM_001407943.1, NM_001407964.1, NM_001407740.1 and 20 more transcripts); and 41 more; short protein forms E780fs, E827fs, E659fs, E699fs, E716fs, E801fs, E826fs, E715fs.
Identifiers: ClinVar variation 1791842 (VCV001791842.2), dbSNP rs2552188174, ClinGen allele CA2580094029.
Genomic context (GRCh38, chr17:43,093,053, plus strand): 5'-TTCTATGCTTGTTTCCCGACTGTGGTTAACTTCATGTCCCAATGGATACTTAAAGCCTTC[T>TA]GTGTCATTTCTATTATCTTTGGAACAACCATGAATTAGTCCCTTGGGGTTTTCAAATGCT-3'

ClinVar aggregate classification (germline): Pathogenic (1 of 4 stars; one submission).

Conditions:
Hereditary cancer-predisposing syndrome. Also called: Hereditary Cancer Syndrome; Hereditary neoplastic syndrome; Tumor predisposition; Neoplastic Syndromes, Hereditary. Identifiers: Orphanet 140162, MedGen C0027672, MeSH D009386, MONDO:0015356.

Submission:

Ambry Genetics
Classification: Pathogenic for Hereditary cancer-predisposing syndrome. Last evaluated: 2022-08-18. Review status: criteria provided, single submitter. Criteria: Ambry Variant Classification Scheme 2023. Collection method: clinical testing. Allele origin: germline.
Comment: The c.2477_2478insT pathogenic mutation, located in coding exon 9 of the BRCA1 gene, results from an insertion of one nucleotide at position 2477, causing a translational frameshift with a predicted alternate stop codon (p.E827Rfs*4). This alteration is expected to result in loss of function by premature protein truncation or nonsense-mediated mRNA decay. As such, this alteration is interpreted as a disease-causing mutation.